The following is an entry in ClinVar:

ClinVar aggregate classification (germline): Benign/Likely benign. Review status: criteria provided, multiple submitters, no conflicts (2 of 4 stars). 3 submissions from 3 submitters: Benign (1); Likely benign (1). 1 of the submissions does not count toward it. Last evaluated 2026-01-21.

Conditions:
LRRC8A-related disorder. Also called: LRRC8A-related condition.

Allele frequency attached by ClinVar (database versions not stated): gnomAD exomes 0.00010 and 0.00028; ExAC 0.00033; 1000 Genomes Project 0.00060; 1000 Genomes Project 30x 0.00094; gnomAD 0.00127 and 0.00140; ESP Exome Variant Server 0.00131; TOPMed 0.00137.
gnomAD v4.1: 347 of 1,613,654 alleles (0.022%); highest among the groups gnomAD compares: African/African-American, 0.43%; 2 homozygotes.

Submissions (3):

Labcorp Genetics (formerly Invitae), Labcorp
Classification: Benign. Last evaluated: 2026-01-21. Review status: criteria provided, single submitter. Criteria: Invitae Variant Classification Sherloc (09022015). Collection method: clinical testing. Allele origin: germline.

Blueprint Genetics
Classification: Likely benign. Last evaluated: 2024-05-13. Review status: criteria provided, single submitter. Criteria: ACMG Guidelines, 2015. Collection method: clinical testing. Allele origin: germline.

PreventionGenetics, part of Exact Sciences
Classification: Likely benign for LRRC8A-related condition. Last evaluated: 2019-02-21. Review status: no assertion criteria provided. Collection method: clinical testing. Allele origin: germline. Not counted in ClinVar's aggregate classification.
Comment: This variant is classified as likely benign based on ACMG/AMP sequence variant interpretation guidelines (Richards et al. 2015 PMID: 25741868, with internal and published modifications).

NM_019594.4(LRRC8A):c.267C>T (p.Thr89=)

Gene: LRRC8A (leucine rich repeat containing 8 VRAC subunit A; plus strand). Cytogenetic location: 9q34.11.
Variant type: single nucleotide variant.
Coding change: c.267C>T on transcript NM_019594.4 (MANE Select); coding-DNA position 267, C replaced by T.
Protein change: p.Thr89=; no amino-acid change (threonine 89 retained).
Molecular consequence: synonymous variant.
Genome position (GRCh38, 1-based): chr9:128,907,431, C>T. VCF-style: chr9-128907431-C-T. GRCh37 (hg19) VCF-style: chr9-131669710-C-T.
Other names: c.267C>T, p.Thr89= (NM_001127244.2, NM_001127245.2); c.267C>T (NM_019594.3).
Identifiers: ClinVar variation 1556953 (VCV001556953.11), dbSNP rs141527072, ClinGen allele CA5270692.